The following is an entry in ClinVar:

ClinVar aggregate classification (germline): Likely pathogenic (1 of 4 stars; one submission).

Conditions:
Brachyolmia-amelogenesis imperfecta syndrome. Also called: Tooth agenesis, selective, 6; Dental anomalies and short stature; PLATYSPONDYLY WITH AMELOGENESIS IMPERFECTA. Identifiers: Orphanet 2899, MedGen C1832594, MONDO:0011018, OMIM 601216. Disease mechanism: loss of function.

Allele frequency attached by ClinVar (database versions not stated): TOPMed below 0.00001; gnomAD exomes 0.00001.
gnomAD v4.1: 22 of 1,613,918 alleles (0.0014%); highest among the groups gnomAD compares: Non-Finnish European, 0.0019%; no homozygotes.

Submission:

Labcorp Genetics (formerly Invitae), Labcorp
Classification: Likely pathogenic for Brachyolmia-amelogenesis imperfecta syndrome. Last evaluated: 2021-11-01. Review status: criteria provided, single submitter. Criteria: Invitae Variant Classification Sherloc (09022015). Collection method: clinical testing. Allele origin: germline.
Comment: In summary, the currently available evidence indicates that the variant is pathogenic, but additional data are needed to prove that conclusively. Therefore, this variant has been classified as Likely Pathogenic. Algorithms developed to predict the effect of sequence changes on RNA splicing suggest that this variant may disrupt the consensus splice site. This variant has not been reported in the literature in individuals affected with LTBP3-related conditions. This variant is present in population databases (no rsID available, gnomAD 0.002%). This sequence change affects an acceptor splice site in intron 13 of the LTBP3 gene. It is expected to disrupt RNA splicing. Variants that disrupt the donor or acceptor splice site typically lead to a loss of protein function (PMID: 16199547), and loss-of-function variants in LTBP3 are known to be pathogenic (PMID: 11790802, 19344874, 25669657).

Literature cited by the submitters: PubMed 16199547; PubMed 11790802; PubMed 19344874; PubMed 25669657.

NM_001130144.3(LTBP3):c.1979-1G>C

Gene: LTBP3 (latent transforming growth factor beta binding protein 3; minus strand). Cytogenetic location: 11q13.1.
Variant type: single nucleotide variant.
Coding change: c.1979-1G>C on transcript NM_001130144.3 (MANE Select); the canonical splice acceptor site of the intron before coding-DNA position 1979, G replaced by C.
Molecular consequence: splice acceptor variant.
Genome position (GRCh38, 1-based): chr11:65,547,568, C>G on the plus strand (G>C on the coding strand, the complement: LTBP3 is on the minus strand). VCF-style: chr11-65547568-C-G. GRCh37 (hg19) VCF-style: chr11-65315039-C-G.
Other names: c.1628-1G>C (NM_001164266.1); c.1979-1G>C (NM_021070.4).
Identifiers: ClinVar variation 1469895 (VCV001469895.6), dbSNP rs1275684003, ClinGen allele CA381271195.